The following is an entry in ClinVar:

ClinVar aggregate classification (germline): Uncertain significance. Review status: criteria provided, multiple submitters, no conflicts (2 of 4 stars). 2 submissions from 2 submitters: Uncertain significance (2). Last evaluated 2024-10-18.

Conditions:
Autosomal dominant nonsyndromic hearing loss 1. Also called: DEAFNESS, AUTOSOMAL DOMINANT 1, WITH OR WITHOUT THROMBOCYTOPENIA; KONIGSMARK SYNDROME. Identifiers: Orphanet 90635, MedGen C1852282, MONDO:0007424, OMIM 124900.
Progressive microcephaly-seizures-cortical blindness-developmental delay syndrome. Also called: Seizures, cortical blindness, and microcephaly syndrome. Identifiers: Orphanet 477814, MedGen C5567650, MONDO:0014714, OMIM 616632.
Inborn genetic diseases. Identifiers: MedGen C0950123, MeSH D030342.

Submissions (2):

Ambry Genetics
Classification: Uncertain significance for Inborn genetic diseases. Last evaluated: 2024-10-18. Review status: criteria provided, single submitter. Criteria: Ambry Variant Classification Scheme 2023. Collection method: clinical testing. Allele origin: germline.
Comment: The c.1833_1853dupTCCTCCTCCTCCTCCTCCTCC (p.P614_P620dup) alteration is located in exon 16 (coding exon 16) of the DIAPH1 gene. The alteration consists of an in-frame duplication of 21 nucleotides from position 1833 to 1853, resulting in the duplication of 7 residues. Based on insufficient or conflicting evidence, the clinical significance of this alteration remains unclear.

Labcorp Genetics (formerly Invitae), Labcorp
Classification: Uncertain significance for Progressive microcephaly-seizures-cortical blindness-developmental delay syndrome; Autosomal dominant nonsyndromic hearing loss 1. Last evaluated: 2023-01-01. Review status: criteria provided, single submitter. Criteria: Invitae Variant Classification Sherloc (09022015). Collection method: clinical testing. Allele origin: germline.
Comment: This variant, c.1833_1853dup, results in the insertion of 7 amino acid(s) of the DIAPH1 protein (p.Pro614_Pro620dup), but otherwise preserves the integrity of the reading frame. This variant is not present in population databases (gnomAD no frequency). This variant has not been reported in the literature in individuals affected with DIAPH1-related conditions. ClinVar contains an entry for this variant (Variation ID: 951411). Experimental studies and prediction algorithms are not available or were not evaluated, and the functional significance of this variant is currently unknown. In summary, the available evidence is currently insufficient to determine the role of this variant in disease. Therefore, it has been classified as a Variant of Uncertain Significance.

NM_005219.5(DIAPH1):c.1821TCC[18] (p.Pro614_Pro620dup)

Gene: DIAPH1 (diaphanous related formin 1; minus strand). Cytogenetic location: 5q31.3.
Variant type: Microsatellite.
Coding change: c.1821TCC[18] on transcript NM_005219.5 (MANE Select); 18 copies in a row of the 3-base unit TCC starting at c.1821; the reference has 11 copies in a row; seven copies, 21 bases duplicated.
Protein change: p.Pro614_Pro620dup.
Molecular consequence: inframe insertion.
Genome position (GRCh38, 1-based): chr5:141,573,997-141,574,017, GGAGGAGGAGGAGGAGGAGGA duplicated on the plus strand (TCCTCCTCCTCCTCCTCCTCC on the coding strand, the reverse complement: DIAPH1 is on the minus strand); duplicating any 21 consecutive bases within chr5:141,573,997-141,574,030 gives the same sequence; the position shown is the placement nearest the transcript's 3' end. VCF-style (leftmost placement, unchanged base first): chr5-141573996-T-TGGAGGAGGAGGAGGAGGAGGA. GRCh37 (hg19) VCF-style: chr5-140953563-T-TGGAGGAGGAGGAGGAGGAGGA.
Other names: c.1833_1853dupTCCTCCTCCTCCTCCTCCTCC (NM_005219.4); c.1794TCC[18], p.Pro605_Pro611dup (NM_001079812.3); c.1821TCC[18], p.Pro614_Pro620dup (NM_001314007.2).
Identifiers: ClinVar variation 951411 (VCV000951411.8), dbSNP rs3075570, ClinGen allele CA1082278968.